The following is an entry in ClinVar:

ClinVar aggregate classification (germline): Uncertain significance. Review status: criteria provided, multiple submitters, no conflicts (2 of 4 stars). 2 submissions from 2 submitters: Uncertain significance (2). Last evaluated 2024-01-11.

Allele frequency attached by ClinVar (database versions not stated): ExAC 0.00001; TOPMed 0.00001; gnomAD exomes 0.00002.
gnomAD v4.1: 14 of 1,613,804 alleles (0.00087%); highest among the groups gnomAD compares: Non-Finnish European, 0.0012%; no homozygotes.

Submissions (2):

Blueprint Genetics
Classification: Uncertain significance. Last evaluated: 2024-01-11. Review status: criteria provided, single submitter. Criteria: ACMG Guidelines, 2015. Collection method: clinical testing. Allele origin: germline.

Labcorp Genetics (formerly Invitae), Labcorp
Classification: Uncertain significance. Last evaluated: 2022-09-06. Review status: criteria provided, single submitter. Criteria: Invitae Variant Classification Sherloc (09022015). Collection method: clinical testing. Allele origin: germline.
Comment: This variant has not been reported in the literature in individuals affected with RP1-related conditions. In summary, the available evidence is currently insufficient to determine the role of this variant in disease. Therefore, it has been classified as a Variant of Uncertain Significance. Algorithms developed to predict the effect of missense changes on protein structure and function output the following: SIFT: "Tolerated"; PolyPhen-2: "Benign"; Align-GVGD: "Class C0". The threonine amino acid residue is found in multiple mammalian species, which suggests that this missense change does not adversely affect protein function. ClinVar contains an entry for this variant (Variation ID: 1379481). This variant is present in population databases (rs747154755, gnomAD 0.007%). This sequence change replaces isoleucine, which is neutral and non-polar, with threonine, which is neutral and polar, at codon 2091 of the RP1 protein (p.Ile2091Thr).

NM_006269.2(RP1):c.6272T>C (p.Ile2091Thr)

Gene: RP1 (RP1 axonemal microtubule associated; plus strand). Cytogenetic location: 8q12.1.
Variant type: single nucleotide variant.
Coding change: c.6272T>C on transcript NM_006269.2 (MANE Select); coding-DNA position 6272, T replaced by C.
Protein change: p.Ile2091Thr; replaces isoleucine 2091 with threonine.
Molecular consequence: missense variant. On other transcripts: intron variant (1).
Genome position (GRCh38, 1-based): chr8:54,630,154, T>C. VCF-style: chr8-54630154-T-C. GRCh37 (hg19) VCF-style: chr8-55542714-T-C.
Other names: c.787+7866T>C (NM_001375654.1); short protein forms I2091T.
Identifiers: ClinVar variation 1379481 (VCV001379481.9), dbSNP rs747154755, ClinGen allele CA4752215.